The following is an entry in ClinVar:

NM_001135629.3(PPP1R21):c.310C>T (p.Gln104Ter)

Gene: PPP1R21 (protein phosphatase 1 regulatory subunit 21; plus strand). Cytogenetic location: 2p16.3.
Variant type: single nucleotide variant.
Coding change: c.310C>T on transcript NM_001135629.3 (MANE Select); coding-DNA position 310, C replaced by T.
Protein change: p.Gln104Ter; replaces glutamine 104 with a stop codon.
Molecular consequence: nonsense. On other transcripts: non-coding transcript variant (1).
Genome position (GRCh38, 1-based): chr2:48,458,162, C>T. VCF-style: chr2-48458162-C-T. GRCh37 (hg19) VCF-style: chr2-48685301-C-T.
Other names: c.310C>T, p.Gln104Ter (NM_001193475.2, NM_152994.5); short protein forms Q104*.
Identifiers: ClinVar variation 2171576 (VCV002171576.1), dbSNP rs778816851, ClinGen allele CA346742735.

ClinVar aggregate classification (germline): Pathogenic (1 of 4 stars; one submission).

gnomAD v4.1: 1 of 1,611,952 alleles (0.000062%); highest among the groups gnomAD compares: Non-Finnish European, 0.000085%; no homozygotes.

Submission:

Labcorp Genetics (formerly Invitae), Labcorp
Classification: Pathogenic. Last evaluated: 2022-07-05. Review status: criteria provided, single submitter. Criteria: Invitae Variant Classification Sherloc (09022015). Collection method: clinical testing. Allele origin: germline.
Comment: This sequence change creates a premature translational stop signal (p.Gln104*) in the PPP1R21 gene. It is expected to result in an absent or disrupted protein product. Loss-of-function variants in PPP1R21 are known to be pathogenic (PMID: 30520571). This variant is not present in population databases (gnomAD no frequency). This variant has not been reported in the literature in individuals affected with PPP1R21-related conditions. For these reasons, this variant has been classified as Pathogenic.

Literature cited by the submitters: PubMed 30520571.